The following is an entry in ClinVar:

ClinVar aggregate classification (germline): Uncertain significance. Review status: criteria provided, multiple submitters, no conflicts (2 of 4 stars). 2 submissions from 2 submitters: Uncertain significance (2). Last evaluated 2024-11-24.

Conditions:
Familial thoracic aortic aneurysm and aortic dissection (TAAD). Also called: Thoracic aortic aneurysms and dissections. Identifiers: Orphanet 91387, MedGen C4707243, MONDO:0019625.
Ehlers-Danlos syndrome, kyphoscoliotic type 1 (EDSKSCL1). Also called: EHLERS-DANLOS SYNDROME, TYPE VIA; Ehlers-Danlos syndrome, hydroxylysine-deficient; EHLERS-DANLOS SYNDROME, OCULAR-SCOLIOTIC TYPE; PLOD1-Related Kyphoscoliotic Ehlers-Danlos Syndrome. Identifiers: Orphanet 1900, MedGen C0268342, MONDO:0016002, OMIM 225400. Disease mechanism: loss of function.

Allele frequency attached by ClinVar (database versions not stated): gnomAD exomes below 0.00001 and 0.00001; gnomAD 0.00005; TOPMed 0.00009.
gnomAD v4.1: 15 of 1,613,892 alleles (0.00093%); highest among the groups gnomAD compares: Admixed American, 0.01%; no homozygotes.

Submissions (2):

Ambry Genetics
Classification: Uncertain significance for Familial thoracic aortic aneurysm and aortic dissection. Last evaluated: 2024-11-24. Review status: criteria provided, single submitter. Criteria: Ambry Variant Classification Scheme 2023. Collection method: clinical testing. Allele origin: germline.

Labcorp Genetics (formerly Invitae), Labcorp
Classification: Uncertain significance for Ehlers-Danlos syndrome, kyphoscoliotic type 1. Last evaluated: 2021-08-27. Review status: criteria provided, single submitter. Criteria: Invitae Variant Classification Sherloc (09022015). Collection method: clinical testing. Allele origin: germline.
Comment: This sequence change replaces asparagine with aspartic acid at codon 324 of the PLOD1 protein (p.Asn324Asp). The asparagine residue is highly conserved and there is a small physicochemical difference between asparagine and aspartic acid. This variant is not present in population databases (ExAC no frequency). This variant has not been reported in the literature in individuals affected with PLOD1-related conditions. Algorithms developed to predict the effect of missense changes on protein structure and function are either unavailable or do not agree on the potential impact of this missense change (SIFT: "Deleterious"; PolyPhen-2: "Benign"; Align-GVGD: "Class C0"). In summary, the available evidence is currently insufficient to determine the role of this variant in disease. Therefore, it has been classified as a Variant of Uncertain Significance.

NM_000302.4(PLOD1):c.970A>G (p.Asn324Asp)

Gene: PLOD1 (procollagen-lysine,2-oxoglutarate 5-dioxygenase 1; plus strand). Cytogenetic location: 1p36.22.
Variant type: single nucleotide variant.
Coding change: c.970A>G on transcript NM_000302.4 (MANE Select); coding-DNA position 970, A replaced by G.
Protein change: p.Asn324Asp; replaces asparagine 324 with aspartic acid.
Molecular consequence: missense variant.
Genome position (GRCh38, 1-based): chr1:11,958,642, A>G. VCF-style: chr1-11958642-A-G. GRCh37 (hg19) VCF-style: chr1-12018699-A-G.
Other names: c.1111A>G, p.Asn371Asp (NM_001316320.2); short protein forms N324D, N371D.
Identifiers: ClinVar variation 1022067 (VCV001022067.9), dbSNP rs959635301, ClinGen allele CA18003763.